The following is an entry in ClinVar:

ClinVar aggregate classification (germline): Conflicting classifications of pathogenicity. Review status: criteria provided, conflicting classifications (1 of 4 stars). 6 submissions from 6 submitters: Uncertain significance (1); Benign (1); Likely benign (3). 1 of the submissions does not count toward it. Last evaluated 2026-01-26.

Conditions:
Familial dysautonomia. Also called: HSAN III; FD. Identifiers: Orphanet 1764, MedGen C0013364, MONDO:0009131, OMIM 223900. Disease mechanism: loss of function.

Allele frequency attached by ClinVar (database versions not stated): gnomAD exomes 0.00003; gnomAD 0.00005; TOPMed 0.00012.
gnomAD v4.1: 55 of 1,603,618 alleles (0.0034%); highest among the groups gnomAD compares: East Asian, 0.1%; no homozygotes.

Submissions (6):

Labcorp Genetics (formerly Invitae), Labcorp
Classification: Benign. Last evaluated: 2026-01-26. Review status: criteria provided, single submitter. Criteria: Invitae Variant Classification Sherloc (09022015). Collection method: clinical testing. Allele origin: germline.

Blueprint Genetics
Classification: Likely benign. Last evaluated: 2024-01-10. Review status: criteria provided, single submitter. Criteria: ACMG Guidelines, 2015. Collection method: clinical testing. Allele origin: germline.

CeGaT Center for Human Genetics Tuebingen
Classification: Likely benign. Last evaluated: 2023-06-01. Review status: criteria provided, single submitter. Criteria: CeGaT Center For Human Genetics Tuebingen Variant Classification Criteria Version 2. Collection method: clinical testing. Allele origin: germline. Affected: yes. Observed: 1 variant allele.
Comment: ELP1: BP4, BP7

Ambry Genetics
Classification: Likely benign. Last evaluated: 2019-07-11. Review status: criteria provided, single submitter. Criteria: Ambry Variant Classification Scheme 2023. Collection method: clinical testing. Allele origin: germline.

Illumina Laboratory Services, Illumina
Classification: Uncertain significance for Familial dysautonomia. Last evaluated: 2018-01-13. Review status: criteria provided, single submitter. Criteria: ICSL Variant Classification Criteria 13 December 2019. Collection method: clinical testing. Allele origin: germline.

Natera, Inc.
Classification: Likely benign for Familial dysautonomia. Last evaluated: 2020-10-16. Review status: no assertion criteria provided. Collection method: clinical testing. Allele origin: germline. Not counted in ClinVar's aggregate classification.

NM_003640.5(ELP1):c.2799G>A (p.Arg933=)

Gene: ELP1 (elongator acetyltransferase complex subunit 1; minus strand). Cytogenetic location: 9q31.3.
Variant type: single nucleotide variant.
Coding change: c.2799G>A on transcript NM_003640.5 (MANE Select); coding-DNA position 2799, G replaced by A.
Protein change: p.Arg933=; no amino-acid change (arginine 933 retained).
Molecular consequence: synonymous variant.
Genome position (GRCh38, 1-based): chr9:108,894,004, C>T on the plus strand (G>A on the coding strand, the complement: ELP1 is on the minus strand). VCF-style: chr9-108894004-C-T. GRCh37 (hg19) VCF-style: chr9-111656284-C-T.
Other names: c.2799G>A (LRG_251t1); c.2457G>A, p.Arg819= (NM_001318360.2); c.1752G>A, p.Arg584= (NM_001330749.2).
Identifiers: ClinVar variation 364565 (VCV000364565.47), dbSNP rs367974002, ClinGen allele CA5174535.